The following is an entry in ClinVar:

ClinVar aggregate classification (germline): Uncertain significance. Review status: criteria provided, multiple submitters, no conflicts (2 of 4 stars). 3 submissions from 3 submitters: Uncertain significance (3). Last evaluated 2024-08-11.

Allele frequency attached by ClinVar (database versions not stated): ESP Exome Variant Server 0.00008; ExAC 0.00012.
gnomAD v4.1: 145 of 1,611,256 alleles (0.009%); highest among the groups gnomAD compares: Admixed American, 0.013%; no homozygotes.

Submissions (3):

Ambry Genetics
Classification: Uncertain significance. Last evaluated: 2024-08-11. Review status: criteria provided, single submitter. Criteria: Ambry Variant Classification Scheme 2023. Collection method: clinical testing. Allele origin: germline.

Labcorp Genetics (formerly Invitae), Labcorp
Classification: Uncertain significance. Last evaluated: 2024-03-24. Review status: criteria provided, single submitter. Criteria: Invitae Variant Classification Sherloc (09022015). Collection method: clinical testing. Allele origin: germline.
Comment: This sequence change replaces arginine, which is basic and polar, with histidine, which is basic and polar, at codon 628 of the KL protein (p.Arg628His). This variant is present in population databases (rs137884931, gnomAD 0.03%). This variant has not been reported in the literature in individuals affected with KL-related conditions. ClinVar contains an entry for this variant (Variation ID: 1983946). Advanced modeling of protein sequence and biophysical properties (such as structural, functional, and spatial information, amino acid conservation, physicochemical variation, residue mobility, and thermodynamic stability) performed at Invitae indicates that this missense variant is not expected to disrupt KL protein function with a negative predictive value of 80%. In summary, the available evidence is currently insufficient to determine the role of this variant in disease. Therefore, it has been classified as a Variant of Uncertain Significance.

Mayo Clinic Laboratories, Mayo Clinic
Classification: Uncertain significance. Last evaluated: 2023-01-13. Review status: criteria provided, single submitter. Criteria: ACMG Guidelines, 2015. Collection method: clinical testing. Allele origin: germline. Observed: 1 variant allele.
Comment: BP4

NM_004795.4(KL):c.1883G>A (p.Arg628His)

Gene: KL (klotho; plus strand). Cytogenetic location: 13q13.1.
Variant type: single nucleotide variant.
Coding change: c.1883G>A on transcript NM_004795.4 (MANE Select); coding-DNA position 1883, G replaced by A.
Protein change: p.Arg628His; replaces arginine 628 with histidine.
Molecular consequence: missense variant.
Genome position (GRCh38, 1-based): chr13:33,060,962, G>A. VCF-style: chr13-33060962-G-A. GRCh37 (hg19) VCF-style: chr13-33635099-G-A.
Other names: p.Arg628His; c.1883G>A (NM_004795.3); short protein forms R628H.
Identifiers: ClinVar variation 1983946 (VCV001983946.6), dbSNP rs137884931, ClinGen allele CA6944201.